The following is an entry in ClinVar:

NM_001940.4(ATN1):c.3429_3437delinsT (p.Met1143fs)

Gene: ATN1 (atrophin 1; plus strand). Cytogenetic location: 12p13.31.
Variant type: Indel.
Coding change: c.3429_3437delinsT on transcript NM_001940.4 (MANE Select); coding-DNA positions 3429 to 3437, GCACGCACA replaced by T.
Protein change: p.Met1143fs; shifts the reading frame from methionine 1143.
Molecular consequence: frameshift variant.
Genome position (GRCh38, 1-based): chr12:6,941,444-6,941,452, GCACGCACA replaced by T. VCF-style: chr12-6941444-GCACGCACA-T. GRCh37 (hg19) VCF-style: chr12-7050607-GCACGCACA-T.
Other names: c.3429_3437delinsT, p.Met1143fs (NM_001007026.2, NM_001424176.1, NM_001424177.1 and 1 more transcripts); c.3426_3434delinsT, p.Met1142fs (NM_001424179.1, NM_001424180.1); c.3408_3416delGCACGCACAinsT, p.Met1136Ilefs (NM_001424181.1); c.3405_3413delinsT, p.Met1135fs (NM_001424182.1); short protein forms M1135fs, M1142fs, M1143fs.
Identifiers: ClinVar variation 2627566 (VCV002627566.2), dbSNP rs2542647306, ClinGen allele CA2582342488.
Genomic context (GRCh38, chr12:6,941,444, plus strand): 5'-CCGGGACCTGCCGGCCTCCCTTTCTGCCCCGATGTCAGCAGCTCATCAGCTGCAGGCCAT[GCACGCACA>T]GTCAGCTGAGCTGCAGCGCTTGGCGCTGGAACAGCAGCAGTGGCTGCATGCCCATCACCC-3'

ClinVar aggregate classification (germline): Uncertain significance (1 of 4 stars; one submission).

Conditions:
Congenital hypotonia, epilepsy, developmental delay, and digital anomalies (CHEDDA). Also called: ATN1-Related Neurodevelopmental Disorder. Identifiers: MedGen C5193125, MONDO:0032781, OMIM 618494.

Submission:

Institute of Human Genetics, University of Leipzig Medical Center
Classification: Uncertain significance for Congenital hypotonia, epilepsy, developmental delay, and digital anomalies. Last evaluated: 2023-09-28. Review status: criteria provided, single submitter. Criteria: ACMG Guidelines, 2015. Collection method: clinical testing. Allele origin: unknown. Inheritance: Autosomal dominant inheritance. Affected: yes.
Comment: Criteria applied: PM2_SUP; truncating variants are not known to be disease causing